The following is an entry in ClinVar:

ClinVar aggregate classification (germline): Uncertain significance (1 of 4 stars; one submission).

Conditions:
Dilated cardiomyopathy 1AA (CMD1AA). Also called: Cardiomyopathy, dilated, 1AA, with or without LVNC; CARDIOMYOPATHY, DILATED, 1AA, WITH OR WITHOUT LEFT VENTRICULAR NONCOMPACTION; CARDIOMYOPATHY, FAMILIAL HYPERTROPHIC, 23, WITH OR WITHOUT LEFT VENTRICULAR NONCOMPACTION. Identifiers: Orphanet 154, MedGen C2677338, MONDO:0012808, OMIM 612158.
Primary familial hypertrophic cardiomyopathy (HCM). Identifiers: Orphanet 99739, MedGen C0949658, MeSH D024741, MONDO:0024573. Inheritance: Various modes of inheritance.

Allele frequency attached by ClinVar (database versions not stated): gnomAD exomes below 0.00001.
gnomAD v4.1: 1 of 1,557,124 alleles (0.000064%); highest among the groups gnomAD compares: East Asian, 0.0026%; no homozygotes.

Submission:

Labcorp Genetics (formerly Invitae), Labcorp
Classification: Uncertain significance for Primary familial hypertrophic cardiomyopathy; Dilated cardiomyopathy 1AA. Last evaluated: 2024-07-19. Review status: criteria provided, single submitter. Criteria: Invitae Variant Classification Sherloc (09022015). Collection method: clinical testing. Allele origin: germline.
Comment: This sequence change replaces glutamine, which is neutral and polar, with arginine, which is basic and polar, at codon 22 of the ACTN2 protein (p.Gln22Arg). This variant is not present in population databases (gnomAD no frequency). This variant has not been reported in the literature in individuals affected with ACTN2-related conditions. ClinVar contains an entry for this variant (Variation ID: 2128326). An algorithm developed to predict the effect of missense changes on protein structure and function (PolyPhen-2) suggests that this variant is likely to be disruptive. In summary, the available evidence is currently insufficient to determine the role of this variant in disease. Therefore, it has been classified as a Variant of Uncertain Significance.

NM_001103.4(ACTN2):c.65A>G (p.Gln22Arg)

Gene: ACTN2 (actinin alpha 2; plus strand). Cytogenetic location: 1q43.
Variant type: single nucleotide variant.
Coding change: c.65A>G on transcript NM_001103.4 (MANE Select); coding-DNA position 65, A replaced by G.
Protein change: p.Gln22Arg; replaces glutamine 22 with arginine.
Molecular consequence: missense variant. On other transcripts: 5 prime UTR variant (1).
Genome position (GRCh38, 1-based): chr1:236,686,738, A>G. VCF-style: chr1-236686738-A-G. GRCh37 (hg19) VCF-style: chr1-236850038-A-G.
Other names: c.65A>G, p.Gln22Arg (NM_001278343.2); c.-757A>G (NM_001278344.2); c.-882A>G (NM_001412150.1); short protein forms Q22R.
Identifiers: ClinVar variation 2128326 (VCV002128326.4), dbSNP rs1057518609, ClinGen allele CA345358259.
Genomic context (GRCh38, chr1:236,686,738, plus strand): 5'-ACCAGATAGAGCCCGGCGTGCAGTACAACTACGTGTACGACGAGGATGAGTACATGATCC[A>G]GGAGGAGGAGTGGGACCGCGACCTGCTCCTGGACCCAGCCTGGGAGAAGCAGCAGAGGAA-3'
Protein context (NP_001094.1, residues 12-32): YVYDEDEYMI[Gln22Arg]EEEWDRDLLL